The following is an entry in ClinVar:

NM_015015.3(KDM4B):c.2902-3C>A

Gene: KDM4B (lysine demethylase 4B; plus strand). Cytogenetic location: 19p13.3.
Variant type: single nucleotide variant.
Coding change: c.2902-3C>A on transcript NM_015015.3 (MANE Select); 3 bases into the intron before coding-DNA position 2902, C replaced by A.
Molecular consequence: intron variant.
Genome position (GRCh38, 1-based): chr19:5,144,780, C>A. VCF-style: chr19-5144780-C-A. GRCh37 (hg19) VCF-style: chr19-5144791-C-A.
Other names: c.3004-3C>A (NM_001411148.1).
Identifiers: ClinVar variation 3533095 (VCV003533095.1).

ClinVar aggregate classification (germline): Uncertain significance (1 of 4 stars; one submission).

Conditions:
Inborn genetic diseases. Identifiers: MedGen C0950123, MeSH D030342.

gnomAD v4.1: 1 of 1,613,436 alleles (0.000062%); highest among the groups gnomAD compares: Admixed American, 0.0017%; no homozygotes.

Submission:

Ambry Genetics
Classification: Uncertain significance for Inborn genetic diseases. Last evaluated: 2024-07-19. Review status: criteria provided, single submitter. Criteria: Ambry Variant Classification Scheme 2023. Collection method: clinical testing. Allele origin: germline.
Comment: The c.2902-3C>A intronic alteration results from a C to A substitution 3 nucleotides before exon 21 (coding exon 19) of the KDM4B gene. This variant was flagged as a low confidence call in the Genome Aggregation Database (gnomAD). This nucleotide position is well conserved in available vertebrate species. In silico splice site analysis predicts that this alteration may result in the creation or strengthening of a novel splice acceptor site. Based on insufficient or conflicting evidence, the clinical significance of this alteration remains unclear.